The following is an entry in ClinVar:

ClinVar aggregate classification (germline): Benign (1 of 4 stars; one submission).

Conditions:
Landau-Kleffner syndrome (FESD). Also called: EPILEPSY, FOCAL, WITH SPEECH DISORDER AND WITH OR WITHOUT MENTAL RETARDATION; APHASIA, ACQUIRED, WITH EPILEPSY. Identifiers: Orphanet 1945, Orphanet 725, Orphanet 98818, MedGen C0282512, MONDO:0009509, OMIM 245570.

Allele frequency attached by ClinVar (database versions not stated): gnomAD exomes 0.00046; 1000 Genomes Project 0.00200; 1000 Genomes Project 30x 0.00219; TOPMed 0.00324; gnomAD 0.00295 and 0.00320.
gnomAD v4.1: 460 of 183,158 alleles (0.25%); highest among the groups gnomAD compares: African/African-American, 1%; 3 homozygotes.

Submission:

Illumina Laboratory Services, Illumina
Classification: Benign for Landau-Kleffner syndrome. Last evaluated: 2018-01-12. Review status: criteria provided, single submitter. Criteria: ICSL Variant Classification Criteria 13 December 2019. Collection method: clinical testing. Allele origin: germline.
Comment: This variant was observed in the ICSL laboratory as part of a predisposition screen in an ostensibly healthy population. It had not been previously curated by ICSL or reported in the Human Gene Mutation Database (HGMD: prior to June 1st, 2018), and was therefore a candidate for classification through an automated scoring system. Utilizing variant allele frequency, disease prevalence and penetrance estimates, and inheritance mode, an automated score was calculated to assess if this variant is too frequent to cause the disease. Based on the score and internal cut-off values, a variant classified as benign is not then subjected to further curation. The score for this variant resulted in a classification of benign for this disease.

NM_001134407.3(GRIN2A):c.*6323C>T

Gene: GRIN2A (glutamate ionotropic receptor NMDA type subunit 2A; minus strand). Cytogenetic location: 16p13.2.
Variant type: single nucleotide variant.
Coding change: c.*6323C>T on transcript NM_001134407.3 (MANE Select); 6323 bases downstream of the stop codon, C replaced by T.
Molecular consequence: 3 prime UTR variant.
Genome position (GRCh38, 1-based): chr16:9,756,826, G>A on the plus strand (C>T on the coding strand, the complement: GRIN2A is on the minus strand). VCF-style: chr16-9756826-G-A. GRCh37 (hg19) VCF-style: chr16-9850683-G-A.
Other names: c.*6323C>T (NM_000833.5); c.*6529C>T (NM_001134408.2).
Identifiers: ClinVar variation 321511 (VCV000321511.5), dbSNP rs148431972, ClinGen allele CA10649409.
Genomic context (GRCh38, chr16:9,756,826, plus strand): 5'-GATAAGCAGAAAATGTAACATTCCAAGAATGCACAGAATGGGATAGACAGAGTGACAAAA[G>A]CTCCCTCTCCACCTCGCCATCCTTCCTGAAATACACCTCTATTCCTTTTGCCATCTCTTT-3'